The following is an entry in ClinVar:

ClinVar aggregate classification (germline): Likely benign (1 of 4 stars; one submission).

Submission:

CeGaT Center for Human Genetics Tuebingen
Classification: Likely benign. Last evaluated: 2025-12-01. Review status: criteria provided, single submitter. Criteria: CeGaT Center For Human Genetics Tuebingen Variant Classification Criteria Version 2. Collection method: clinical testing. Allele origin: germline. Affected: yes. Observed: 1 variant allele.
Comment: UBA2: BP4, BS2

NM_005499.3(UBA2):c.1133-7_1133-6dup

Gene: UBA2 (ubiquitin like modifier activating enzyme 2; plus strand). Cytogenetic location: 19q13.11.
Variant type: Duplication.
Coding change: c.1133-7_1133-6dup on transcript NM_005499.3 (MANE Select); 7 bases into the intron before coding-DNA position 1133 through 6 bases into the intron before coding-DNA position 1133, 2 bases duplicated (TT; older notation c.1133-7_1133-6dupTT).
Molecular consequence: intron variant.
Genome position (GRCh38, 1-based): chr19:34,454,437-34,454,438, TT duplicated; duplicating any 2 consecutive bases within chr19:34,454,427-34,454,438 gives the same sequence; the c. name uses the placement nearest the transcript's 3' end. VCF-style (leftmost placement, unchanged base first): chr19-34454426-C-CTT. GRCh37 (hg19) VCF-style: chr19-34945331-C-CTT.
Other names: c.845-7_845-6dup (NM_001411139.1).
Identifiers: ClinVar variation 4681519 (VCV004681519.5).